The following is an entry in ClinVar:

NM_004425.4(ECM1):c.240_241del (p.Gln81fs)

Gene: ECM1 (extracellular matrix protein 1; plus strand). Cytogenetic location: 1q21.2.
Variant type: Microsatellite.
Coding change: c.240_241del on transcript NM_004425.4 (MANE Select); coding-DNA positions 240 to 241, 2 bases deleted (TC; older notation c.240_241delTC).
Protein change: p.Gln81fs; shifts the reading frame from glutamine 81.
Molecular consequence: frameshift variant.
Genome position (GRCh38, 1-based): chr1:150,509,938-150,509,939, TC deleted; deleting any 2 consecutive bases within chr1:150,509,935-150,509,939 gives the same sequence; the c. name uses the placement nearest the transcript's 3' end. VCF-style (leftmost placement, unchanged base first): chr1-150509934-CCT-C. GRCh37 (hg19) VCF-style: chr1-150482410-CCT-C.
Other names: c.321_322del, p.Gln108fs (NM_001202858.2); c.240_241del, p.Gln81fs (NM_022664.3); short protein forms Q108fs, Q81fs.
Identifiers: ClinVar variation 2633555 (VCV002633555.1), dbSNP rs2526403709, ClinGen allele CA2586967279.

ClinVar aggregate classification (germline): Likely pathogenic (1 of 4 stars; one submission).

Conditions:
ECM1-related disorder. Also called: ECM1-related condition.

Submission:

PreventionGenetics, part of Exact Sciences
Classification: Likely pathogenic for ECM1-related condition. Last evaluated: 2023-04-10. Review status: criteria provided, single submitter. Criteria: ACMG Guidelines, 2015. Collection method: clinical testing. Allele origin: germline.
Comment: The ECM1 c.240_241delTC variant is predicted to result in a frameshift and premature protein termination (p.Gln81Glyfs*18). This variant was reported in an individual with lipoid proteinosis, in conjunction with another loss of function variant in ECM1 (Horev et al 2009. PubMed ID: 19734986). Of note, this patient exhibited only some features of the disease, including hoarse voice, macroglossia, yellowish deposits on the tongue and soft palate, beaded papules on the thickened margins of the eyelids, yellowish papules in the axillae, and nodules of variable sizes on the elbows. This variant has not been reported in a large population database, indicating this variant is rare. Frameshift variants in ECM1 are expected to be pathogenic. This variant is interpreted as likely pathogenic.